The following is an entry in ClinVar:

ClinVar aggregate classification (germline): Uncertain significance (1 of 4 stars; one submission).

Submission:

Labcorp Genetics (formerly Invitae), Labcorp
Classification: Uncertain significance. Last evaluated: 2022-07-03. Review status: criteria provided, single submitter. Criteria: Invitae Variant Classification Sherloc (09022015). Collection method: clinical testing. Allele origin: germline.
Comment: In summary, the available evidence is currently insufficient to determine the role of this variant in disease. Therefore, it has been classified as a Variant of Uncertain Significance. Algorithms developed to predict the effect of missense changes on protein structure and function are either unavailable or do not agree on the potential impact of this missense change (SIFT: "Not Available"; PolyPhen-2: "Benign"; Align-GVGD: "Not Available"). This variant has not been reported in the literature in individuals affected with GUCA1A-related conditions. This variant is not present in population databases (gnomAD no frequency). This sequence change replaces valine, which is neutral and non-polar, with leucine, which is neutral and non-polar, at codon 56 of the GUCA1A protein (p.Val56Leu).

NM_001384910.1(GUCA1A):c.166G>T (p.Val56Leu)

Genes: GUCA1A (guanylate cyclase activator 1A; plus strand), GUCA1ANB-GUCA1A (GUCA1ANB-GUCA1A readthrough; plus strand). Cytogenetic location: 6p21.1.
Variant type: single nucleotide variant.
Coding change: c.166G>T on transcript NM_001384910.1 (MANE Select); coding-DNA position 166, G replaced by T.
Protein change: p.Val56Leu; replaces valine 56 with leucine.
Molecular consequence: missense variant.
Genome position (GRCh38, 1-based): chr6:42,173,779, G>T. VCF-style: chr6-42173779-G-T. GRCh37 (hg19) VCF-style: chr6-42141517-G-T.
Other names: c.166G>T, p.Val56Leu (NM_000409.5, NM_001319061.2, NM_001319062.2); short protein forms V56L.
Identifiers: ClinVar variation 1962448 (VCV001962448.5), dbSNP rs759101140, ClinGen allele CA364106028.